The following is an entry in ClinVar:

NM_012448.4(STAT5B):c.1220A>G (p.Gln407Arg)

Gene: STAT5B (signal transducer and activator of transcription 5B; minus strand). Cytogenetic location: 17q21.2.
Variant type: single nucleotide variant.
Coding change: c.1220A>G on transcript NM_012448.4 (MANE Select); coding-DNA position 1220, A replaced by G.
Protein change: p.Gln407Arg; replaces glutamine 407 with arginine.
Molecular consequence: missense variant.
Genome position (GRCh38, 1-based): chr17:42,217,414, T>C on the plus strand (A>G on the coding strand, the complement: STAT5B is on the minus strand). VCF-style: chr17-42217414-T-C. GRCh37 (hg19) VCF-style: chr17-40369432-T-C.
Other names: short protein forms Q407R.
Identifiers: ClinVar variation 4709330 (VCV004709330.1).

ClinVar aggregate classification (germline): Uncertain significance (1 of 4 stars; one submission).

Conditions:
Growth hormone insensitivity with immune dysregulation 1, autosomal recessive. Also called: GROWTH HORMONE INSENSITIVITY DUE TO POSTRECEPTOR DEFECT; LARON SYNDROME DUE TO POSTRECEPTOR DEFECT; GROWTH HORMONE INSENSITIVITY SYNDROME WITH IMMUNE DYSREGULATION 1, AUTOSOMAL RECESSIVE; Laron syndrome with immunodeficiency. Identifiers: Orphanet 220465, MedGen C5435698, MONDO:0100211, OMIM 245590.

gnomAD v4.1: 3 of 1,614,226 alleles (0.00019%); highest among the groups gnomAD compares: Non-Finnish European, 0.00025%; no homozygotes.

Submission:

Labcorp Genetics (formerly Invitae), Labcorp
Classification: Uncertain significance for Growth hormone insensitivity with immune dysregulation 1, autosomal recessive. Last evaluated: 2025-06-09. Review status: criteria provided, single submitter. Criteria: Invitae Variant Classification Sherloc (09022015). Collection method: clinical testing. Allele origin: germline.
Comment: This sequence change replaces glutamine, which is neutral and polar, with arginine, which is basic and polar, at codon 407 of the STAT5B protein (p.Gln407Arg). This variant is not present in population databases (gnomAD no frequency). This variant has not been reported in the literature in individuals affected with STAT5B-related conditions. Invitae Evidence Modeling of protein sequence and biophysical properties (such as structural, functional, and spatial information, amino acid conservation, physicochemical variation, residue mobility, and thermodynamic stability) indicates that this missense variant is not expected to disrupt STAT5B protein function with a negative predictive value of 80%. In summary, the available evidence is currently insufficient to determine the role of this variant in disease. Therefore, it has been classified as a Variant of Uncertain Significance.